The following is an entry in ClinVar:

NM_004119.3(FLT3):c.1837+1_1837+2insGAATATGAATATGATCTCAAATGGGAGTTTCCAAGAGAAAATTTAGAGTTTGGAGGAGAATAT

Gene: FLT3 (fms related receptor tyrosine kinase 3; minus strand). Cytogenetic location: 13q12.2.
Variant type: Insertion.
Coding change: c.1837+1_1837+2insGAATATGAATATGATCTCAAATGGGAGTTTCCAAGAGAAAATTTAGAGTTTGGAGGAGAATAT on transcript NM_004119.3 (MANE Select); the canonical splice donor site of the intron after coding-DNA position 1837, GAATATGAATATGATCTCAAATGGGAGTTTCCAAGAGAAAATTTAGAGTTTGGAGGAGAATAT inserted.
Molecular consequence: splice donor variant.
Genome position: GRCh38: chr13:28,034,133-28,034,134. GRCh37 (hg19): chr13:28,608,270-28,608,271.
Other names: c.1837+1_1837+2insAGGAGAATATGAATATGAATATGATCTCAAATGGGAGTTTCCAAGAGAAAATTTAGAGTTTGG (NM_004119.3).
Identifiers: ClinVar variation 4886381 (VCV004886381.2).

ClinVar aggregate classification (germline): Uncertain significance (1 of 4 stars; one submission).

Submission:

Dasa
Classification: Uncertain significance. Last evaluated: 2025-05-16. Review status: criteria provided, single submitter. Criteria: DASA Assertion Criteria. Collection method: clinical testing. Allele origin: germline.
Comment: NM_004119.3(FLT3):c.1837+1_1837+2insAGGAGAATATGAATATGAATATGATCTCAAATGGGAGTTTCCAAGAGAAAATTTAGAGTTTGG is a splice-region variant predicted to affect normal RNA splicing. This variant is absent from population databases. The currently available literature and clinical evidence are not sufficient to establish a definitive association between this variant and the reported condition. Therefore, this variant is classified as a variant of uncertain significance.